The following is an entry in ClinVar:

ClinVar aggregate classification (germline): Uncertain significance. Review status: criteria provided, multiple submitters, no conflicts (2 of 4 stars). 5 submissions from 5 submitters: Uncertain significance (5). Last evaluated 2025-11-20.

Conditions:
Emery-Dreifuss muscular dystrophy 5, autosomal dominant (EDMD5). Also called: EMERY-DREIFUSS MUSCULAR DYSTROPHY 5. Identifiers: Orphanet 261, MedGen C2751805, MONDO:0013072, OMIM 612999.

Allele frequency attached by ClinVar (database versions not stated): gnomAD 0.00006; TOPMed 0.00007.
gnomAD v4.1: 58 of 1,613,424 alleles (0.0036%); highest among the groups gnomAD compares: African/African-American, 0.0053%; no homozygotes.

Submissions (5):

Ambry Genetics
Classification: Uncertain significance. Last evaluated: 2025-11-20. Review status: criteria provided, single submitter. Criteria: Ambry Variant Classification Scheme 2023. Collection method: clinical testing. Allele origin: germline.

Labcorp Genetics (formerly Invitae), Labcorp
Classification: Uncertain significance for Emery-Dreifuss muscular dystrophy 5, autosomal dominant. Last evaluated: 2025-08-18. Review status: criteria provided, single submitter. Criteria: Invitae Variant Classification Sherloc (09022015). Collection method: clinical testing. Allele origin: germline.
Comment: This sequence change replaces alanine, which is neutral and non-polar, with serine, which is neutral and polar, at codon 4133 of the SYNE2 protein (p.Ala4133Ser). This variant is present in population databases (rs758104840, gnomAD 0.008%). This variant has not been reported in the literature in individuals affected with SYNE2-related conditions. ClinVar contains an entry for this variant (Variation ID: 1336707). An algorithm developed to predict the effect of missense changes on protein structure and function (PolyPhen-2) suggests that this variant is likely to be tolerated. In summary, the available evidence is currently insufficient to determine the role of this variant in disease. Therefore, it has been classified as a Variant of Uncertain Significance.

Women's Health and Genetics/Laboratory Corporation of America, LabCorp
Classification: Uncertain significance. Last evaluated: 2024-12-16. Review status: criteria provided, single submitter. Criteria: LabCorp Variant Classification Summary - May 2015. Collection method: clinical testing. Allele origin: germline.
Comment: Variant summary: SYNE2 c.12397G>T (p.Ala4133Ser) results in a conservative amino acid change in the encoded protein sequence. Four of five in-silico tools predict a benign effect of the variant on protein function. The variant allele was found at a frequency of 2.8e-05 in 251418 control chromosomes. The available data on variant occurrences in the general population are insufficient to allow any conclusion about variant significance. To our knowledge, no occurrence of c.12397G>T in individuals affected with Emery-Dreifuss muscular dystrophy 5, autosomal dominant and no experimental evidence demonstrating its impact on protein function have been reported. ClinVar contains an entry for this variant (Variation ID: 1336707). Based on the evidence outlined above, the variant was classified as uncertain significance.

Revvity Omics, Revvity
Classification: Uncertain significance for Emery-Dreifuss muscular dystrophy 5, autosomal dominant. Last evaluated: 2023-01-19. Review status: criteria provided, single submitter. Criteria: ACMG Guidelines, 2015. Collection method: clinical testing. Allele origin: germline.

Genetic Services Laboratory, University of Chicago
Classification: Uncertain significance. Last evaluated: 2018-05-30. Review status: criteria provided, single submitter. Criteria: ACMG Guidelines, 2015. Collection method: clinical testing. Allele origin: germline. Affected: no.

NM_182914.3(SYNE2):c.12397G>T (p.Ala4133Ser)

Gene: SYNE2 (spectrin repeat containing nuclear envelope protein 2; plus strand). Cytogenetic location: 14q23.2.
Variant type: single nucleotide variant.
Coding change: c.12397G>T on transcript NM_182914.3 (MANE Select); coding-DNA position 12397, G replaced by T.
Protein change: p.Ala4133Ser; replaces alanine 4133 with serine.
Molecular consequence: missense variant.
Genome position (GRCh38, 1-based): chr14:64,101,947, G>T. VCF-style: chr14-64101947-G-T. GRCh37 (hg19) VCF-style: chr14-64568665-G-T.
Other names: c.12397G>T, p.Ala4133Ser (NM_015180.6); short protein forms A4133S.
Identifiers: ClinVar variation 1336707 (VCV001336707.11), dbSNP rs758104840, ClinGen allele CA7222142.